The following is an entry in ClinVar:

NM_006767.4(LZTR1):c.418A>T (p.Ile140Phe)

Gene: LZTR1 (leucine zipper like post translational regulator 1; plus strand). Cytogenetic location: 22q11.21.
Variant type: single nucleotide variant.
Coding change: c.418A>T on transcript NM_006767.4 (MANE Select); coding-DNA position 418, A replaced by T.
Protein change: p.Ile140Phe; replaces isoleucine 140 with phenylalanine.
Molecular consequence: missense variant.
Genome position (GRCh38, 1-based): chr22:20,988,027, A>T. VCF-style: chr22-20988027-A-T. GRCh37 (hg19) VCF-style: chr22-21342316-A-T.
Other names: short protein forms I140F.
Identifiers: ClinVar variation 3649249 (VCV003649249.2).
Genomic context (GRCh38, chr22:20,988,027, plus strand): 5'-GACTGCCCTTTGGGTTTGACAGTTTCTCACTCTCTTTACTCAGGGGGTTACACTGGGGAC[A>T]TTTATTCCAATTCTAACTTGAAGAATAAAAACGACCTCTTTGAATACAAGTTTGCAACTG-3'
Protein context (NP_006758.2, residues 130-150): MFVFGGYTGD[Ile140Phe]YSNSNLKNKN

ClinVar aggregate classification (germline): Uncertain significance (1 of 4 stars; one submission).

Submission:

Labcorp Genetics (formerly Invitae), Labcorp
Classification: Uncertain significance. Last evaluated: 2024-04-15. Review status: criteria provided, single submitter. Criteria: Invitae Variant Classification Sherloc (09022015). Collection method: clinical testing. Allele origin: germline.
Comment: This sequence change replaces isoleucine, which is neutral and non-polar, with phenylalanine, which is neutral and non-polar, at codon 140 of the LZTR1 protein (p.Ile140Phe). This variant is not present in population databases (gnomAD no frequency). This variant has not been reported in the literature in individuals affected with LZTR1-related conditions. Advanced modeling of protein sequence and biophysical properties (such as structural, functional, and spatial information, amino acid conservation, physicochemical variation, residue mobility, and thermodynamic stability) performed at Invitae indicates that this missense variant is not expected to disrupt LZTR1 protein function with a negative predictive value of 80%. In summary, the available evidence is currently insufficient to determine the role of this variant in disease. Therefore, it has been classified as a Variant of Uncertain Significance.